The following is an entry in ClinVar:

NM_001556.3(IKBKB):c.1357G>A (p.Ala453Thr)

Gene: IKBKB (inhibitor of nuclear factor kappa B kinase subunit beta; plus strand). Cytogenetic location: 8p11.21.
Variant type: single nucleotide variant.
Coding change: c.1357G>A on transcript NM_001556.3 (MANE Select); coding-DNA position 1357, G replaced by A.
Protein change: p.Ala453Thr; replaces alanine 453 with threonine.
Molecular consequence: missense variant. On other transcripts: non-coding transcript variant (3).
Genome position (GRCh38, 1-based): chr8:42,318,668, G>A. VCF-style: chr8-42318668-G-A. GRCh37 (hg19) VCF-style: chr8-42176186-G-A.
Other names: c.1165G>A, p.Ala389Thr (NM_001190720.3); c.1180G>A, p.Ala394Thr (NM_001242778.2); short protein forms A394T, A453T, A389T.
Identifiers: ClinVar variation 2040415 (VCV002040415.4), dbSNP rs2487680882, ClinGen allele CA371088671.

ClinVar aggregate classification (germline): Uncertain significance (1 of 4 stars; one submission).

Conditions:
Severe combined immunodeficiency due to IKK2 deficiency. Also called: IMMUNODEFICIENCY 15B; Immunodeficiency 15. Identifiers: Orphanet 397787, MedGen C4747743, MONDO:0014267, OMIM 615592.

Allele frequency attached by ClinVar (database versions not stated): gnomAD exomes 0.00001.
gnomAD v4.1: 7 of 1,612,668 alleles (0.00043%); highest among the groups gnomAD compares: Non-Finnish European, 0.00059%; no homozygotes.

Submission:

Labcorp Genetics (formerly Invitae), Labcorp
Classification: Uncertain significance for Severe combined immunodeficiency due to IKK2 deficiency. Last evaluated: 2021-12-12. Review status: criteria provided, single submitter. Criteria: Invitae Variant Classification Sherloc (09022015). Collection method: clinical testing. Allele origin: germline.
Comment: This sequence change replaces alanine, which is neutral and non-polar, with threonine, which is neutral and polar, at codon 453 of the IKBKB protein (p.Ala453Thr). This variant is not present in population databases (gnomAD no frequency). This variant has not been reported in the literature in individuals affected with IKBKB-related conditions. Advanced modeling of protein sequence and biophysical properties (such as structural, functional, and spatial information, amino acid conservation, physicochemical variation, residue mobility, and thermodynamic stability) performed at Invitae indicates that this missense variant is not expected to disrupt IKBKB protein function. In summary, the available evidence is currently insufficient to determine the role of this variant in disease. Therefore, it has been classified as a Variant of Uncertain Significance.